The following is an entry in ClinVar:

NM_001142864.4(PIEZO1):c.5101G>A (p.Val1701Ile)

Gene: PIEZO1 (piezo type mechanosensitive ion channel component 1 (Er blood group); minus strand). Cytogenetic location: 16q24.3.
Variant type: single nucleotide variant.
Coding change: c.5101G>A on transcript NM_001142864.4 (MANE Select); coding-DNA position 5101, G replaced by A.
Protein change: p.Val1701Ile; replaces valine 1701 with isoleucine.
Molecular consequence: missense variant.
Genome position (GRCh38, 1-based): chr16:88,721,921, C>T on the plus strand (G>A on the coding strand, the complement: PIEZO1 is on the minus strand). VCF-style: chr16-88721921-C-T. GRCh37 (hg19) VCF-style: chr16-88788329-C-T.
Other names: c.3643G>A, p.Val1215Ile (NM_014745.1); short protein forms V1215I, V1701I.
Identifiers: ClinVar variation 2507090 (VCV002507090.2), dbSNP rs1252113208, ClinGen allele CA397093385.

ClinVar aggregate classification (germline): Uncertain significance. Review status: criteria provided, multiple submitters, no conflicts (2 of 4 stars). 2 submissions from 2 submitters: Uncertain significance (2). Last evaluated 2025-08-23.

Conditions:
Inborn genetic diseases. Identifiers: MedGen C0950123, MeSH D030342.

gnomAD v4.1: 9 of 1,550,172 alleles (0.00058%); highest among the groups gnomAD compares: South Asian, 0.0095%; no homozygotes.

Submissions (2):

Ambry Genetics
Classification: Uncertain significance for Inborn genetic diseases. Last evaluated: 2025-08-23. Review status: criteria provided, single submitter. Criteria: Ambry Variant Classification Scheme 2023. Collection method: clinical testing. Allele origin: germline.

GeneDx
Classification: Uncertain significance. Last evaluated: 2022-12-27. Review status: criteria provided, single submitter. Criteria: GeneDx Variant Classification Process June 2021. Collection method: clinical testing. Allele origin: germline. Affected: yes.
Comment: Not observed at significant frequency in large population cohorts (gnomAD); In silico analysis supports that this missense variant does not alter protein structure/function; Has not been previously published as pathogenic or benign to our knowledge